The following is an entry in ClinVar:

ClinVar aggregate classification (germline): Uncertain significance (1 of 4 stars; one submission).

Conditions:
Dyskeratosis congenita, autosomal dominant 6 (DKCA6). Identifiers: Orphanet 3322, MedGen C4225284, MONDO:0014690, OMIM 616553.

Submission:

Labcorp Genetics (formerly Invitae), Labcorp
Classification: Uncertain significance for Dyskeratosis congenita, autosomal dominant 6. Last evaluated: 2021-01-08. Review status: criteria provided, single submitter. Criteria: Invitae Variant Classification Sherloc (09022015). Collection method: clinical testing. Allele origin: germline.
Comment: This sequence change creates a premature translational stop signal (p.Pro403Argfs*35) in the ACD gene. It is expected to result in an absent or disrupted protein product. However, the current clinical and genetic evidence is not sufficient to establish whether loss-of-function variants in ACD cause disease. This variant is not present in population databases (ExAC no frequency). In summary, the available evidence is currently insufficient to determine the role of this variant in disease. Therefore, it has been classified as a Variant of Uncertain Significance. This variant has not been reported in the literature in individuals with ACD-related conditions.

NM_001082486.2(ACD):c.950_951del (p.Pro317fs)

Gene: ACD (ACD shelterin complex subunit and telomerase recruitment factor; minus strand). Cytogenetic location: 16q22.1.
Variant type: Deletion.
Coding change: c.950_951del on transcript NM_001082486.2 (MANE Select); coding-DNA positions 950 to 951, 2 bases deleted (CA; older notation c.950_951delCA).
Protein change: p.Pro317fs; shifts the reading frame from proline 317.
Molecular consequence: frameshift variant.
Genome position (GRCh38, 1-based): chr16:67,658,241-67,658,242, TG deleted on the plus strand (CA on the coding strand, the reverse complement: ACD is on the minus strand). VCF-style (leftmost placement, unchanged base first): chr16-67658240-CTG-C. GRCh37 (hg19) VCF-style: chr16-67692143-CTG-C.
Other names: c.941_942del, p.Pro314fs (NM_022914.3); short protein forms P314fs, P317fs.
Identifiers: ClinVar variation 1363416 (VCV001363416.6), dbSNP rs2142968355, ClinGen allele CA2573152569.